The following is an entry in ClinVar:

ClinVar aggregate classification (germline): Uncertain significance (1 of 4 stars; one submission).

gnomAD v4.1: 5 of 1,603,750 alleles (0.00031%); highest among the groups gnomAD compares: African/African-American, 0.0013%; no homozygotes.

Submission:

Labcorp Genetics (formerly Invitae), Labcorp
Classification: Uncertain significance. Last evaluated: 2022-11-01. Review status: criteria provided, single submitter. Criteria: Invitae Variant Classification Sherloc (09022015). Collection method: clinical testing. Allele origin: germline.
Comment: In summary, the available evidence is currently insufficient to determine the role of this variant in disease. Therefore, it has been classified as a Variant of Uncertain Significance. Algorithms developed to predict the effect of missense changes on protein structure and function (SIFT, PolyPhen-2, Align-GVGD) all suggest that this variant is likely to be tolerated. ClinVar contains an entry for this variant (Variation ID: 1470387). This variant has not been reported in the literature in individuals affected with KIAA1549-related conditions. This variant is not present in population databases (gnomAD no frequency). This sequence change replaces threonine, which is neutral and polar, with lysine, which is basic and polar, at codon 590 of the KIAA1549 protein (p.Thr590Lys).

NM_001164665.2(KIAA1549):c.1769C>A (p.Thr590Lys)

Gene: KIAA1549 (KIAA1549; minus strand). Cytogenetic location: 7q34.
Variant type: single nucleotide variant.
Coding change: c.1769C>A on transcript NM_001164665.2 (MANE Select); coding-DNA position 1769, C replaced by A.
Protein change: p.Thr590Lys; replaces threonine 590 with lysine.
Molecular consequence: missense variant.
Genome position (GRCh38, 1-based): chr7:138,917,857, G>T on the plus strand (C>A on the coding strand, the complement: KIAA1549 is on the minus strand). VCF-style: chr7-138917857-G-T. GRCh37 (hg19) VCF-style: chr7-138602603-G-T.
Other names: c.1769C>A, p.Thr590Lys (NM_020910.3); short protein forms T590K.
Identifiers: ClinVar variation 1470387 (VCV001470387.6), dbSNP rs144262582, ClinGen allele CA167163726.